The following is an entry in ClinVar:

NM_001715.3(BLK):c.772+341C>G

Genes: BLK (BLK proto-oncogene, Src family tyrosine kinase), BLK-AS1 (BLK antisense RNA 1). Cytogenetic location: 8p23.1.
Variant type: single nucleotide variant.
Coding change: c.772+341C>G on transcript NM_001715.3 (MANE Select); 341 bases into the intron after coding-DNA position 772, C replaced by G.
Molecular consequence: intron variant.
Genome position (GRCh38, 1-based): chr8:11,555,825, C>G. VCF-style: chr8-11555825-C-G. GRCh37 (hg19) VCF-style: chr8-11413334-C-G.
Other names: c.559+341C>G (NM_001330465.2).
Identifiers: ClinVar variation 2658407 (VCV002658407.23), dbSNP rs143306652, ClinGen allele CA172084000.

ClinVar aggregate classification (germline): Benign (1 of 4 stars; one submission).

Allele frequency attached by ClinVar (database versions not stated): 1000 Genomes Project 0.00399; 1000 Genomes Project 30x 0.00422.
gnomAD v4.1: 753 of 386,968 alleles (0.19%); highest among the groups gnomAD compares: African/African-American, 1.3%; 4 homozygotes.

Submission:

CeGaT Center for Human Genetics Tuebingen
Classification: Benign. Last evaluated: 2023-02-01. Review status: criteria provided, single submitter. Criteria: CeGaT Center For Human Genetics Tuebingen Variant Classification Criteria Version 2. Collection method: clinical testing. Allele origin: germline. Affected: yes. Observed: 1 variant allele.
Comment: BLK: BS1, BS2; ENSG00000269954: BS1, BS2